The following is an entry in ClinVar:

ClinVar aggregate classification (germline): Uncertain significance (1 of 4 stars; one submission).

Conditions:
Immunodeficiency. Identifiers: MedGen C0021051, MONDO:0021094, HP:0002721.

gnomAD v4.1: 1 of 1,608,668 alleles (0.000062%); highest among the groups gnomAD compares: Non-Finnish European, 0.000085%; no homozygotes.

Submission:

Labcorp Genetics (formerly Invitae), Labcorp
Classification: Uncertain significance for Immunodeficiency. Last evaluated: 2025-07-22. Review status: criteria provided, single submitter. Criteria: Invitae Variant Classification Sherloc (09022015). Collection method: clinical testing. Allele origin: germline.
Comment: This sequence change replaces threonine, which is neutral and polar, with alanine, which is neutral and non-polar, at codon 9 of the NFAT5 protein (p.Thr9Ala). This variant is present in population databases (rs765933947, gnomAD 0.0009%). This variant has not been reported in the literature in individuals affected with NFAT5-related conditions. An algorithm developed to predict the effect of missense changes on protein structure and function (PolyPhen-2) suggests that this variant is likely to be disruptive. In summary, the available evidence is currently insufficient to determine the role of this variant in disease. Therefore, it has been classified as a Variant of Uncertain Significance.

NM_138713.4(NFAT5):c.307A>G (p.Thr103Ala)

Gene: NFAT5 (nuclear factor of activated T cells 5; plus strand). Cytogenetic location: 16q22.1.
Variant type: single nucleotide variant.
Coding change: c.307A>G on transcript NM_138713.4 (MANE Select); coding-DNA position 307, A replaced by G.
Protein change: p.Thr103Ala; replaces threonine 103 with alanine.
Molecular consequence: missense variant. On other transcripts: synonymous variant (1).
Genome position (GRCh38, 1-based): chr16:69,647,081, A>G. VCF-style: chr16-69647081-A-G. GRCh37 (hg19) VCF-style: chr16-69680984-A-G.
Other names: c.307A>G, p.Thr103Ala (NM_001113178.3); c.54A>G, p.Leu18= (NM_001367709.1); c.253A>G, p.Thr85Ala (NM_006599.4); c.25A>G, p.Thr9Ala (NM_138714.4, NM_173214.3, NM_173215.3); short protein forms T103A, T85A, T9A.
Identifiers: ClinVar variation 4746864 (VCV004746864.1).